The following is an entry in ClinVar:

ClinVar aggregate classification (germline): Uncertain significance (1 of 4 stars; one submission).

Allele frequency attached by ClinVar (database versions not stated): TOPMed below 0.00001.

Submission:

Labcorp Genetics (formerly Invitae), Labcorp
Classification: Uncertain significance. Last evaluated: 2024-01-02. Review status: criteria provided, single submitter. Criteria: Invitae Variant Classification Sherloc (09022015). Collection method: clinical testing. Allele origin: germline.
Comment: This sequence change replaces arginine, which is basic and polar, with serine, which is neutral and polar, at codon 1279 of the SON protein (p.Arg1279Ser). This variant is not present in population databases (gnomAD no frequency). This variant has not been reported in the literature in individuals affected with SON-related conditions. ClinVar contains an entry for this variant (Variation ID: 2007690). An algorithm developed to predict the effect of missense changes on protein structure and function (PolyPhen-2) suggests that this variant is likely to be disruptive. In summary, the available evidence is currently insufficient to determine the role of this variant in disease. Therefore, it has been classified as a Variant of Uncertain Significance.

NM_138927.4(SON):c.3837A>C (p.Arg1279Ser)

Gene: SON (SON DNA and RNA binding protein; plus strand). Cytogenetic location: 21q22.11.
Variant type: single nucleotide variant.
Coding change: c.3837A>C on transcript NM_138927.4 (MANE Select); coding-DNA position 3837, A replaced by C.
Protein change: p.Arg1279Ser; replaces arginine 1279 with serine.
Molecular consequence: missense variant. On other transcripts: non-coding transcript variant (1), intron variant (1).
Genome position (GRCh38, 1-based): chr21:33,553,068, A>C. VCF-style: chr21-33553068-A-C. GRCh37 (hg19) VCF-style: chr21-34925374-A-C.
Other names: c.3837A>C, p.Arg1279Ser (NM_001291411.2, NM_001412133.1, NM_032195.3 and 2 more transcripts); c.245-4088A>C (NM_001291412.3); short protein forms R1279S.
Identifiers: ClinVar variation 2007690 (VCV002007690.4), dbSNP rs897418888, ClinGen allele CA320152661.